The following is an entry in ClinVar:

ClinVar aggregate classification (germline): Likely benign. Review status: criteria provided, single submitter (1 of 4 stars). 2 submissions from 2 submitters: Likely benign (1). 1 of the submissions does not count toward it. Last evaluated 2025-03-17.

Conditions:
PPP3CA-related disorder. Also called: PPP3CA-related disorders; PPP3CA-related condition.

Allele frequency attached by ClinVar (database versions not stated): ESP Exome Variant Server 0.00008; ExAC 0.00011.
gnomAD v4.1: 159 of 1,611,252 alleles (0.0099%); highest among the groups gnomAD compares: Middle Eastern, 0.016%; no homozygotes.

Submissions (2):

Labcorp Genetics (formerly Invitae), Labcorp
Classification: Likely benign. Last evaluated: 2025-03-17. Review status: criteria provided, single submitter. Criteria: Invitae Variant Classification Sherloc (09022015). Collection method: clinical testing. Allele origin: germline.

PreventionGenetics, part of Exact Sciences
Classification: Likely benign for PPP3CA-related condition. Last evaluated: 2024-01-02. Review status: no assertion criteria provided. Collection method: clinical testing. Allele origin: germline. Not counted in ClinVar's aggregate classification.
Comment: This variant is classified as likely benign based on ACMG/AMP sequence variant interpretation guidelines (Richards et al. 2015 PMID: 25741868, with internal and published modifications).

NM_000944.5(PPP3CA):c.12C>T (p.Pro4=)

Gene: PPP3CA (protein phosphatase 3 catalytic subunit alpha; minus strand). Cytogenetic location: 4q24.
Variant type: single nucleotide variant.
Coding change: c.12C>T on transcript NM_000944.5 (MANE Select); coding-DNA position 12, C replaced by T.
Protein change: p.Pro4=; no amino-acid change (proline 4 retained).
Molecular consequence: synonymous variant.
Genome position (GRCh38, 1-based): chr4:101,346,785, G>A on the plus strand (C>T on the coding strand, the complement: PPP3CA is on the minus strand). VCF-style: chr4-101346785-G-A. GRCh37 (hg19) VCF-style: chr4-102267942-G-A.
Other names: c.12C>T, p.Pro4= (NM_001130691.2, NM_001130692.2); c.12C>T (NM_000944.4).
Identifiers: ClinVar variation 1908139 (VCV001908139.7), dbSNP rs140003651, ClinGen allele CA3024648.